The following is an entry in ClinVar:

NM_206933.4(USH2A):c.5836C>T (p.Arg1946Ter)

Genes: USH2A (usherin; minus strand), USH2A-AS2 (USH2A antisense RNA 2; plus strand). Cytogenetic location: 1q41.
Variant type: single nucleotide variant.
Coding change: c.5836C>T on transcript NM_206933.4 (MANE Select); coding-DNA position 5836, C replaced by T.
Protein change: p.Arg1946Ter; replaces arginine 1946 with a stop codon.
Molecular consequence: nonsense.
Genome position (GRCh38, 1-based): chr1:216,072,910, G>A on the plus strand (C>T on the coding strand, the complement: USH2A is on the minus strand). VCF-style: chr1-216072910-G-A. GRCh37 (hg19) VCF-style: chr1-216246252-G-A.
Other names: short protein forms R1946*.
Identifiers: ClinVar variation 265287 (VCV000265287.20), dbSNP rs751130485, ClinGen allele CA1395342.
Genomic context (GRCh38, chr1:216,072,910, plus strand): 5'-TGTGTGTGTGCACATATGCATTTGAAGATAAGTATTTACCTGCTCCTGTTGTACGTCCTC[G>A]ACTCCAATCACTATATACTGAACCTCCTTCATGCGAGGCTATCACTCGATACAGGTATTC-3'

ClinVar aggregate classification (germline): Pathogenic. Review status: criteria provided, multiple submitters, no conflicts (2 of 4 stars). 8 submissions from 8 submitters: Pathogenic (8). Last evaluated 2025-08-01.

Conditions:
USH2A-related disorder. Also called: USH2A-related condition; USH2A-related disorders. Identifiers: MedGen CN239332.
Retinal dystrophy. Also called: Inherited retinal dystrophy. Identifiers: Orphanet 71862, MedGen C0854723, MeSH D058499, MONDO:0019118, HP:0000556.
Usher syndrome type 2A. Also called: RETINAL DISEASE IN USHER SYNDROME TYPE IIA, MODIFIER OF; USHER SYNDROME, TYPE IIA. Identifiers: Orphanet 231178, Orphanet 886, MedGen C1848634, MONDO:0010169, OMIM 276901.
Retinitis pigmentosa 39 (RP39). Identifiers: Orphanet 791, MedGen C3151138, MONDO:0013436, OMIM 613809.

Allele frequency attached by ClinVar (database versions not stated): ExAC 0.00001; gnomAD 0.00001; gnomAD exomes 0.00001; TOPMed 0.00002.
gnomAD v4.1: 11 of 1,613,596 alleles (0.00068%); highest among the groups gnomAD compares: East Asian, 0.0045%; no homozygotes.

Submissions (8):

3billion
Classification: Pathogenic for Retinitis pigmentosa 39. Last evaluated: 2025-08-01. Review status: criteria provided, single submitter. Criteria: ACMG Guidelines, 2015. Collection method: clinical testing. Allele origin: germline. Affected: yes.
Comment: The variant is observed at an extremely low frequency in the gnomAD v4.1.0 dataset (total allele frequency: <0.001%). Predicted Consequence/Location: Stop-gained (nonsense): predicted to result in a loss or disruption of normal protein function through nonsense-mediated decay (NMD) or protein truncation. Multiple pathogenic variants are reported downstream of the variant. The variant has been reported at least twice as pathogenic with clinical assertions and evidence for the classification (ClinVar ID: VCV000265287 /PMID: 20507924). Therefore, this variant is classified as Pathogenic according to the recommendation of ACMG/AMP guideline.

Natera, Inc.
Classification: Pathogenic for Usher syndrome type 2A. Last evaluated: 2025-03-28. Review status: criteria provided, single submitter. Criteria: Natera Variant Classification Schema (03/2026). Collection method: clinical testing. Allele origin: germline.
Comment: The c.5836C>T variant in USH2A is a nonsense variant predicted to introduce a stop codon at amino acid 1946. This variant is expected to result in nonsense mediated decay, truncation, or a dysfunctional protein product. This variant is rare in the general population with a frequency below the threshold expected for the associated phenotype(s). This variant has been observed in one or more individuals affected with the associated recessive disease, as either homozygous or compound heterozygous with a second variant (PMID: 22135276). Given the available evidence, this variant is classified as Pathogenic.

Labcorp Genetics (formerly Invitae), Labcorp
Classification: Pathogenic. Last evaluated: 2025-03-17. Review status: criteria provided, single submitter. Criteria: Invitae Variant Classification Sherloc (09022015). Collection method: clinical testing. Allele origin: germline.
Comment: This sequence change creates a premature translational stop signal (p.Arg1946*) in the USH2A gene. It is expected to result in an absent or disrupted protein product. Loss-of-function variants in USH2A are known to be pathogenic (PMID: 10729113, 10909849, 20507924, 25649381). This variant is present in population databases (rs751130485, gnomAD 0.01%). This premature translational stop signal has been observed in individuals with Usher syndrome (PMID: 28559085). ClinVar contains an entry for this variant (Variation ID: 265287). Algorithms developed to predict the effect of sequence changes on RNA splicing suggest that this variant may disrupt the consensus splice site. For these reasons, this variant has been classified as Pathogenic.

Blueprint Genetics
Classification: Pathogenic for USH2A-related disorders. Last evaluated: 2024-05-29. Review status: criteria provided, single submitter. Criteria: ACMG Guidelines, 2015. Collection method: clinical testing. Allele origin: germline. Affected: yes. Observed: 5 variant alleles.

Baylor Genetics
Classification: Pathogenic for Retinitis pigmentosa 39. Last evaluated: 2023-12-24. Review status: criteria provided, single submitter. Criteria: ACMG Guidelines, 2015. Collection method: clinical testing. Allele origin: unknown.

Genome-Nilou Lab
Classification: Pathogenic for Usher syndrome type 2A. Last evaluated: 2023-11-04. Review status: criteria provided, single submitter. Criteria: ACMG Guidelines, 2015. Collection method: clinical testing. Allele origin: germline. Affected: no.

Dept Of Ophthalmology, Nagoya University
Classification: Pathogenic for Retinal dystrophy. Last evaluated: 2023-10-01. Review status: criteria provided, single submitter. Criteria: Submitter's publication. Collection method: research. Allele origin: germline. Affected: yes.

GeneDx
Classification: Pathogenic. Last evaluated: 2022-01-10. Review status: criteria provided, single submitter. Criteria: GeneDx Variant Classification Process June 2021. Collection method: clinical testing. Allele origin: germline. Affected: yes.
Comment: Nonsense variant predicted to result in protein truncation or nonsense mediated decay in a gene for which loss-of-function is a known mechanism of disease; This variant is associated with the following publications: (PMID: 25525159, 20507924, 22135276, 24944099, 30358468, 28559085, 31054281, 31736247, 31047384)

Literature cited by the submitters: PubMed 20507924 (cited by 3billion and Labcorp Genetics (formerly Invitae), Labcorp); PubMed 22135276 (cited by Natera, Inc.); PubMed 10729113 (cited by Labcorp Genetics (formerly Invitae), Labcorp); PubMed 10909849 (cited by Labcorp Genetics (formerly Invitae), Labcorp); PubMed 25649381 (cited by Labcorp Genetics (formerly Invitae), Labcorp); PubMed 28559085 (cited by Labcorp Genetics (formerly Invitae), Labcorp).